The following is an entry in ClinVar:

NM_033159.4(HYAL1):c.691del (p.Gln231fs)

Gene: HYAL1 (hyaluronidase 1; minus strand). Cytogenetic location: 3p21.31.
Variant type: Deletion.
Coding change: c.691del on transcript NM_033159.4 (MANE Select); coding-DNA position 691, one base deleted (C; older notation c.691delC).
Protein change: p.Gln231fs; shifts the reading frame from glutamine 231.
Molecular consequence: frameshift variant. On other transcripts: non-coding transcript variant (1), intron variant (1).
Genome position (GRCh38, 1-based): chr3:50,302,266, G deleted on the plus strand (C on the coding strand, the reverse complement: HYAL1 is on the minus strand); the first of 2 consecutive G bases (chr3:50,302,266-50,302,267); deleting either gives the same sequence. VCF-style (leftmost placement, unchanged base first): chr3-50302265-TG-T. GRCh37 (hg19) VCF-style: chr3-50339696-TG-T.
Other names: c.691del, p.Gln231fs (NM_153281.2, NM_153282.3); c.145del, p.Gln49fs (NM_153283.3); c.-26-61del (NM_153285.3); short protein forms Q231fs, Q49fs.
Identifiers: ClinVar variation 1074510 (VCV001074510.5), dbSNP rs1553713128, ClinGen allele CA543053583.

ClinVar aggregate classification (germline): Pathogenic (1 of 4 stars; one submission).

Conditions:
Deficiency of hyaluronoglucosaminidase (MPS9). Also called: MPS IX; Mucopolysaccharidosis type 9; HYALURONIDASE DEFICIENCY. Identifiers: Orphanet 67041, MedGen C1291490, MONDO:0011093, OMIM 601492.

Submission:

Labcorp Genetics (formerly Invitae), Labcorp
Classification: Pathogenic for Deficiency of hyaluronoglucosaminidase. Last evaluated: 2022-08-16. Review status: criteria provided, single submitter. Criteria: Invitae Variant Classification Sherloc (09022015). Collection method: clinical testing. Allele origin: germline.
Comment: For these reasons, this variant has been classified as Pathogenic. ClinVar contains an entry for this variant (Variation ID: 1074510). This variant has not been reported in the literature in individuals affected with HYAL1-related conditions. This variant is present in population databases (no rsID available, gnomAD 0.003%). This sequence change creates a premature translational stop signal (p.Gln231Serfs*2) in the HYAL1 gene. It is expected to result in an absent or disrupted protein product. Loss-of-function variants in HYAL1 are known to be pathogenic (PMID: 10339581, 21559944).

Literature cited by the submitters: PubMed 10339581; PubMed 21559944.